The following is an entry in ClinVar:

ClinVar aggregate classification (germline): Uncertain significance (1 of 4 stars; one submission).

Conditions:
Developmental and epileptic encephalopathy, 9 (DEE9). Also called: Early infantile epileptic encephalopathy 9; EPILEPSY, FEMALE-RESTRICTED, WITH MENTAL RETARDATION; PCDH19-Related X-Linked Female-Limited Epilepsy with Mental Retardation; JUBERG-HELLMAN SYNDROME. Identifiers: Orphanet 101039, Orphanet 2076, MedGen C1848137, MONDO:0010246, OMIM 300088. Disease mechanism: loss of function.

Submission:

Labcorp Genetics (formerly Invitae), Labcorp
Classification: Uncertain significance for Developmental and epileptic encephalopathy, 9. Last evaluated: 2024-07-15. Review status: criteria provided, single submitter. Criteria: Invitae Variant Classification Sherloc (09022015). Collection method: clinical testing. Allele origin: germline.
Comment: This sequence change replaces phenylalanine, which is neutral and non-polar, with leucine, which is neutral and non-polar, at codon 129 of the PCDH19 protein (p.Phe129Leu). This variant is not present in population databases (gnomAD no frequency). This variant has not been reported in the literature in individuals affected with PCDH19-related conditions. Advanced modeling of protein sequence and biophysical properties (such as structural, functional, and spatial information, amino acid conservation, physicochemical variation, residue mobility, and thermodynamic stability) performed at Invitae indicates that this missense variant is expected to disrupt PCDH19 protein function with a positive predictive value of 80%. In summary, the available evidence is currently insufficient to determine the role of this variant in disease. Therefore, it has been classified as a Variant of Uncertain Significance.

NM_001184880.2(PCDH19):c.385T>C (p.Phe129Leu)

Gene: PCDH19 (protocadherin 19; minus strand). Cytogenetic location: Xq22.1.
Variant type: single nucleotide variant.
Coding change: c.385T>C on transcript NM_001184880.2 (MANE Select); coding-DNA position 385, T replaced by C.
Protein change: p.Phe129Leu; replaces phenylalanine 129 with leucine.
Molecular consequence: missense variant.
Genome position (GRCh38, 1-based): chrX:100,408,213, A>G on the plus strand (T>C on the coding strand, the complement: PCDH19 is on the minus strand). VCF-style: chrX-100408213-A-G. GRCh37 (hg19) VCF-style: chrX-99663211-A-G.
Other names: c.385T>C, p.Phe129Leu (NM_001105243.2, NM_020766.3); short protein forms F129L.
Identifiers: ClinVar variation 3636303 (VCV003636303.2).